The following is an entry in ClinVar:

ClinVar aggregate classification (germline): Uncertain significance (1 of 4 stars; one submission).

Conditions:
Alagille syndrome due to a NOTCH2 point mutation. Also called: Alagille syndrome 2. Identifiers: Orphanet 261629, Orphanet 52, MedGen C1857761, MONDO:0012439, OMIM 610205.
Hajdu-Cheney syndrome (HJCYS). Also called: SERPENTINE FIBULA-POLYCYSTIC KIDNEY SYNDROME; ACROOSTEOLYSIS WITH OSTEOPOROSIS AND CHANGES IN SKULL AND MANDIBLE; Acroosteolysis dominant type. Identifiers: Orphanet 955, MedGen C0917715, MONDO:0007057, OMIM 102500.

Submission:

Juno Genomics, Hangzhou Juno Genomics, Inc
Classification: Uncertain significance for Alagille syndrome due to a NOTCH2 point mutation; Hajdu-Cheney syndrome. Review status: criteria provided, single submitter. Criteria: ACMG Guidelines, 2015. Collection method: clinical testing. Allele origin: germline.
Comment: Absent from controls (or at extremely low frequency if recessive) in Genome Aggregation Database.;Multiple lines of computational evidence support a deleterious effect on the gene or gene product.;Missense variant in a gene that has a low rate of benign missense variation.

NM_024408.4(NOTCH2):c.2366G>A (p.Gly789Asp)

Gene: NOTCH2 (notch receptor 2; minus strand). Cytogenetic location: 1p12.
Variant type: single nucleotide variant.
Coding change: c.2366G>A on transcript NM_024408.4 (MANE Select); coding-DNA position 2366, G replaced by A.
Protein change: p.Gly789Asp; replaces glycine 789 with aspartic acid.
Molecular consequence: missense variant.
Genome position (GRCh38, 1-based): chr1:119,950,837, C>T on the plus strand (G>A on the coding strand, the complement: NOTCH2 is on the minus strand). VCF-style: chr1-119950837-C-T. GRCh37 (hg19) VCF-style: chr1-120493460-C-T.
Other names: c.2366G>A, p.Gly789Asp (NM_001200001.2); short protein forms G789D.
Identifiers: ClinVar variation 5019425 (VCV005019425.2).